The following is an entry in ClinVar:

ClinVar aggregate classification (germline): Uncertain significance. Review status: criteria provided, multiple submitters, no conflicts (2 of 4 stars). 2 submissions from 2 submitters: Uncertain significance (2). Last evaluated 2020-04-17.

Conditions:
Hereditary nonpolyposis colorectal neoplasms. Identifiers: MedGen C0009405, MeSH D003123.
Hereditary cancer-predisposing syndrome. Also called: Neoplastic Syndromes, Hereditary; Tumor predisposition; Hereditary neoplastic syndrome; Hereditary Cancer Syndrome. Identifiers: Orphanet 140162, MedGen C0027672, MeSH D009386, MONDO:0015356.

Submissions (2):

Ambry Genetics
Classification: Uncertain significance for Hereditary cancer-predisposing syndrome. Last evaluated: 2020-04-17. Review status: criteria provided, single submitter. Criteria: Ambry Variant Classification Scheme 2023. Collection method: clinical testing. Allele origin: germline.
Comment: The p.A587T variant (also known as c.1759G>A), located in coding exon 4 of the MSH6 gene, results from a G to A substitution at nucleotide position 1759. The alanine at codon 587 is replaced by threonine, an amino acid with similar properties. This amino acid position is highly conserved in available vertebrate species. In addition, this alteration is predicted to be deleterious by in silico analysis. Since supporting evidence is limited at this time, the clinical significance of this alteration remains unclear.

Labcorp Genetics (formerly Invitae), Labcorp
Classification: Uncertain significance for Hereditary nonpolyposis colorectal neoplasms. Last evaluated: 2018-05-12. Review status: criteria provided, single submitter. Criteria: Invitae Variant Classification Sherloc (09022015). Collection method: clinical testing. Allele origin: germline.
Comment: In summary, the available evidence is currently insufficient to determine the role of this variant in disease. Therefore, it has been classified as a Variant of Uncertain Significance. Algorithms developed to predict the effect of missense changes on protein structure and function do not agree on the potential impact of this missense change (SIFT: "Tolerated"; PolyPhen-2: "Probably Damaging"; Align-GVGD: "Class C0"). This variant has not been reported in the literature in individuals with MSH6-related disease. This variant is not present in population databases (ExAC no frequency). This sequence change replaces alanine with threonine at codon 587 of the MSH6 protein (p.Ala587Thr). The alanine residue is highly conserved and there is a small physicochemical difference between alanine and threonine.

NM_000179.3(MSH6):c.1759G>A (p.Ala587Thr)

Gene: MSH6 (mutS homolog 6; plus strand). Cytogenetic location: 2p16.3.
Variant type: single nucleotide variant.
Coding change: c.1759G>A on transcript NM_000179.3 (MANE Select); coding-DNA position 1759, G replaced by A.
Protein change: p.Ala587Thr; replaces alanine 587 with threonine.
Molecular consequence: missense variant.
Genome position (GRCh38, 1-based): chr2:47,799,742, G>A. VCF-style: chr2-47799742-G-A. GRCh37 (hg19) VCF-style: chr2-48026881-G-A.
Other names: c.1369G>A, p.Ala457Thr (NM_001281492.2); c.853G>A, p.Ala285Thr (NM_001281493.2, NM_001281494.2); short protein forms A587T, A285T, A457T.
Identifiers: ClinVar variation 567437 (VCV000567437.11), dbSNP rs868575342, ClinGen allele CA46709564.